The following is an entry in ClinVar:

ClinVar aggregate classification (germline): Pathogenic (1 of 4 stars; one submission).

Conditions:
Hereditary cancer-predisposing syndrome. Also called: Neoplastic Syndromes, Hereditary; Tumor predisposition; Hereditary Cancer Syndrome; Hereditary neoplastic syndrome. Identifiers: Orphanet 140162, MedGen C0027672, MeSH D009386, MONDO:0015356.

Submission:

Ambry Genetics
Classification: Pathogenic for Hereditary cancer-predisposing syndrome. Last evaluated: 2019-07-16. Review status: criteria provided, single submitter. Criteria: Ambry Variant Classification Scheme 2023. Collection method: clinical testing. Allele origin: germline.
Comment: The p.Ala241[33] pathogenic mutation, located in coding exon 3 of the PHOX2B gene, results from an expansion of the polyalanine repeat region from 20 to 33 repeats. This expansion mutation is associated with congenital central hypoventilation syndrome (Matera I et al. J. Med. Genet., 2004 May;41:373-80). Based on the supporting evidence, this alteration is interpreted as a disease-causing mutation.

Literature cited by the submitters: PubMed 15121777.

NM_003924.4(PHOX2B):c.726_764dup (p.Ala260_Gly261insAlaAlaAlaAlaAlaAlaAlaAlaAlaAlaAlaAlaAla)

Genes: PHOX2B (paired like homeobox 2B; minus strand), LOC110011216 (paired like homeobox 2b polyalanine repeat instability region; plus strand). Cytogenetic location: 4p13.
Variant type: Duplication.
Coding change: c.726_764dup on transcript NM_003924.4 (MANE Select); coding-DNA positions 726 to 764, 39 bases duplicated.
Protein change: p.Ala260_Gly261insAlaAlaAlaAlaAlaAlaAlaAlaAlaAlaAlaAlaAla.
Molecular consequence: inframe insertion. On other transcripts: inframe indel (1).
Genome position (GRCh38, 1-based): chr4:41,745,988-41,746,026, 39 bases duplicated; duplicating any 39 consecutive bases within chr4:41,745,988-41,746,031 gives the same sequence; the c. name uses the placement nearest the transcript's 3' end. GRCh37 (hg19): chr4:41,748,010-41,748,048.
Other names: c.726_764dupAGCAGCGGCGGCGGCCGCGGCAGCGGCGGCGGCGGCAGC (NM_003924.3).
Identifiers: ClinVar variation 1757963 (VCV001757963.2), dbSNP rs754725361, ClinGen allele CA2580071003.